The following is an entry in ClinVar:

ClinVar aggregate classification (germline): Uncertain significance (1 of 4 stars; one submission).

Submission:

Labcorp Genetics (formerly Invitae), Labcorp
Classification: Uncertain significance. Last evaluated: 2024-11-09. Review status: criteria provided, single submitter. Criteria: Invitae Variant Classification Sherloc (09022015). Collection method: clinical testing. Allele origin: germline.
Comment: This sequence change replaces valine, which is neutral and non-polar, with methionine, which is neutral and non-polar, at codon 2059 of the ZNF292 protein (p.Val2059Met). This variant is not present in population databases (gnomAD no frequency). This variant has not been reported in the literature in individuals affected with ZNF292-related conditions. An algorithm developed to predict the effect of missense changes on protein structure and function (PolyPhen-2) suggests that this variant is likely to be tolerated. In summary, the available evidence is currently insufficient to determine the role of this variant in disease. Therefore, it has been classified as a Variant of Uncertain Significance.

NM_015021.3(ZNF292):c.6175G>A (p.Val2059Met)

Gene: ZNF292 (zinc finger protein 292; plus strand). Cytogenetic location: 6q14.3.
Variant type: single nucleotide variant.
Coding change: c.6175G>A on transcript NM_015021.3 (MANE Select); coding-DNA position 6175, G replaced by A.
Protein change: p.Val2059Met; replaces valine 2059 with methionine.
Molecular consequence: missense variant.
Genome position (GRCh38, 1-based): chr6:87,259,804, G>A. VCF-style: chr6-87259804-G-A. GRCh37 (hg19) VCF-style: chr6-87969522-G-A.
Other names: c.5755G>A, p.Val1919Met (NM_001351444.2); short protein forms V1919M, V2059M.
Identifiers: ClinVar variation 3724904 (VCV003724904.2).